The following is an entry in ClinVar:

NM_000532.5(PCCB):c.941A>G (p.Tyr314Cys)

Gene: PCCB (propionyl-CoA carboxylase subunit beta; plus strand). Cytogenetic location: 3q22.3.
Variant type: single nucleotide variant.
Coding change: c.941A>G on transcript NM_000532.5 (MANE Select); coding-DNA position 941, A replaced by G.
Protein change: p.Tyr314Cys; replaces tyrosine 314 with cysteine.
Molecular consequence: missense variant.
Genome position (GRCh38, 1-based): chr3:136,301,086, A>G. VCF-style: chr3-136301086-A-G. GRCh37 (hg19) VCF-style: chr3-136019928-A-G.
Other names: c.1001A>G, p.Tyr334Cys (NM_001178014.2); c.941A>G (NM_000532.4); short protein forms Y314C, Y334C.
Identifiers: ClinVar variation 1625285 (VCV001625285.12), dbSNP rs148578333, ClinGen allele CA2631943.
Genomic context (GRCh38, chr3:136,301,086, plus strand): 5'-AAAGTGACCGTCTGGTTCCTGAGCTTGACACAATTGTCCCTTTGGAATCAACCAAAGCCT[A>G]CAACATGGTGGACATCATACACTCTGTAAGTGCCACATCTGTTTGTCTTGCCTGTCCTAG-3'
Protein context (NP_000523.2, residues 304-324): TIVPLESTKA[Tyr314Cys]NMVDIIHSVV

ClinVar aggregate classification (germline): Conflicting classifications of pathogenicity. Review status: criteria provided, conflicting classifications (1 of 4 stars). 4 submissions from 4 submitters: Uncertain significance (2); Likely benign (2). Last evaluated 2026-01-27.

Conditions:
Propionic acidemia (PROP). Also called: GLYCINEMIA, KETOTIC; HYPERGLYCINEMIA WITH KETOACIDOSIS AND LEUKOPENIA; KETOTIC HYPERGLYCINEMIA. Identifiers: Orphanet 35, MedGen C0268579, MONDO:0011628, OMIM 606054, HP:0003571.
PCCB-related disorder. Also called: PCCB-related condition.

Allele frequency attached by ClinVar (database versions not stated): TOPMed 0.00005; gnomAD 0.00007; ESP Exome Variant Server 0.00008; gnomAD exomes 0.00008 and 0.00013; ExAC 0.00010.
gnomAD v4.1: 125 of 1,613,918 alleles (0.0077%); highest among the groups gnomAD compares: Non-Finnish European, 0.0041%; no homozygotes.

Submissions (4):

Labcorp Genetics (formerly Invitae), Labcorp
Classification: Likely benign for Propionic acidemia. Last evaluated: 2026-01-27. Review status: criteria provided, single submitter. Criteria: Invitae Variant Classification Sherloc (09022015). Collection method: clinical testing. Allele origin: germline.

PreventionGenetics, part of Exact Sciences
Classification: Likely benign for PCCB-related condition. Last evaluated: 2025-10-16. Review status: criteria provided, single submitter. Criteria: ACMG Guidelines, 2015. Collection method: clinical testing. Allele origin: germline.
Comment: This variant is classified as likely benign based on ACMG/AMP sequence variant interpretation guidelines (Richards et al. 2015 PMID: 25741868, with internal and published modifications).

GeneDx
Classification: Uncertain significance. Last evaluated: 2024-11-19. Review status: criteria provided, single submitter. Criteria: GeneDx Variant Classification Process June 2021. Collection method: clinical testing. Allele origin: germline. Affected: yes.
Comment: Observed as heterozygous in an individual with hypoalphalipoproteinemia; a second variant in PCCB was not observed (PMID: 35460704); In silico analysis supports that this missense variant has a deleterious effect on protein structure/function; This variant is associated with the following publications: (PMID: 35460704)

Department of Pathology and Laboratory Medicine, Sinai Health System
Classification: Uncertain significance for Propionic acidemia. Last evaluated: 2023-03-29. Review status: criteria provided, single submitter. Criteria: ACMG Guidelines, 2015. Collection method: research. Allele origin: germline.